The following is an entry in ClinVar:

NM_006070.6(TFG):c.1012A>G (p.Asn338Asp)

Gene: TFG (trafficking from ER to golgi regulator; plus strand). Cytogenetic location: 3q12.2.
Variant type: single nucleotide variant.
Coding change: c.1012A>G on transcript NM_006070.6 (MANE Select); coding-DNA position 1012, A replaced by G.
Protein change: p.Asn338Asp; replaces asparagine 338 with aspartic acid.
Molecular consequence: missense variant.
Genome position (GRCh38, 1-based): chr3:100,748,340, A>G. VCF-style: chr3-100748340-A-G. GRCh37 (hg19) VCF-style: chr3-100467184-A-G.
Other names: c.1012A>G, p.Asn338Asp (NM_001007565.2, NM_001195478.2); c.1000A>G, p.Asn334Asp (NM_001195479.2); short protein forms N334D, N338D.
Identifiers: ClinVar variation 2940180 (VCV002940180.3), dbSNP rs2472158244, ClinGen allele CA353854158.

ClinVar aggregate classification (germline): Uncertain significance (1 of 4 stars; one submission).

Conditions:
Hereditary motor and sensory neuropathy, Okinawa type (HMSNO). Also called: HEREDITARY MOTOR AND SENSORY NEUROPATHY, PROXIMAL TYPE. Identifiers: Orphanet 90117, MedGen C1858338, MONDO:0011468, OMIM 604484.
Hereditary spastic paraplegia 57. Also called: Spastic paraplegia 57, autosomal recessive. Identifiers: Orphanet 431329, MedGen C3714897, MONDO:0014295, OMIM 615658.

Submission:

Labcorp Genetics (formerly Invitae), Labcorp
Classification: Uncertain significance for Hereditary motor and sensory neuropathy, Okinawa type; Hereditary spastic paraplegia 57. Last evaluated: 2025-04-23. Review status: criteria provided, single submitter. Criteria: Invitae Variant Classification Sherloc (09022015). Collection method: clinical testing. Allele origin: germline.
Comment: This sequence change replaces asparagine, which is neutral and polar, with aspartic acid, which is acidic and polar, at codon 338 of the TFG protein (p.Asn338Asp). This variant is not present in population databases (gnomAD no frequency). This variant has not been reported in the literature in individuals affected with TFG-related conditions. ClinVar contains an entry for this variant (Variation ID: 2940180). Invitae Evidence Modeling of protein sequence and biophysical properties (such as structural, functional, and spatial information, amino acid conservation, physicochemical variation, residue mobility, and thermodynamic stability) indicates that this missense variant is not expected to disrupt TFG protein function with a negative predictive value of 80%. In summary, the available evidence is currently insufficient to determine the role of this variant in disease. Therefore, it has been classified as a Variant of Uncertain Significance.